The following is an entry in ClinVar:

NM_018026.4(PACS1):c.1561C>T (p.Pro521Ser)

Gene: PACS1 (phosphofurin acidic cluster sorting protein 1; plus strand). Cytogenetic location: 11q13.2.
Variant type: single nucleotide variant.
Coding change: c.1561C>T on transcript NM_018026.4 (MANE Select); coding-DNA position 1561, C replaced by T.
Protein change: p.Pro521Ser; replaces proline 521 with serine.
Molecular consequence: missense variant.
Genome position (GRCh38, 1-based): chr11:66,230,875, C>T. VCF-style: chr11-66230875-C-T. GRCh37 (hg19) VCF-style: chr11-65998346-C-T.
Other names: short protein forms P521S.
Identifiers: ClinVar variation 1804281 (VCV001804281.1), dbSNP rs2495581656, ClinGen allele CA381367519.

ClinVar aggregate classification (germline): Uncertain significance (1 of 4 stars; one submission).

Submission:

GeneDx
Classification: Uncertain significance. Last evaluated: 2022-06-13. Review status: criteria provided, single submitter. Criteria: GeneDx Variant Classification Process June 2021. Collection method: clinical testing. Allele origin: germline. Affected: yes.
Comment: Not observed at significant frequency in large population cohorts (gnomAD); In silico analysis supports that this missense variant has a deleterious effect on protein structure/function; Has not been previously published as pathogenic or benign to our knowledge